The following is an entry in ClinVar:

ClinVar aggregate classification (germline): Likely benign (1 of 4 stars; one submission).

Allele frequency attached by ClinVar (database versions not stated): 1000 Genomes Project 0.00120; 1000 Genomes Project 30x 0.00125; TOPMed 0.00142; ESP Exome Variant Server 0.00166.

Submission:

CeGaT Center for Human Genetics Tuebingen
Classification: Likely benign. Last evaluated: 2026-09-01. Review status: criteria provided, single submitter. Criteria: CeGaT Center For Human Genetics Tuebingen Variant Classification Criteria Version 2. Collection method: clinical testing. Allele origin: germline. Affected: yes. Observed: 4 variant alleles.
Comment: MUC5B: BP4, BS2

NM_002458.3(MUC5B):c.11491G>T (p.Ala3831Ser)

Genes: MUC5B (mucin 5B, oligomeric mucus/gel-forming; plus strand), MUC5B-AS1 (MUC5B antisense RNA 1; minus strand). Cytogenetic location: 11p15.5.
Variant type: single nucleotide variant.
Coding change: c.11491G>T on transcript NM_002458.3 (MANE Select); coding-DNA position 11491, G replaced by T.
Protein change: p.Ala3831Ser; replaces alanine 3831 with serine.
Molecular consequence: missense variant.
Genome position (GRCh38, 1-based): chr11:1,248,371, G>T. VCF-style: chr11-1248371-G-T. GRCh37 (hg19) VCF-style: chr11-1269601-G-T.
Other names: short protein forms A3831S.
Identifiers: ClinVar variation 2641276 (VCV002641276.24), dbSNP rs190819085, ClinGen allele CA5807663.